The following is an entry in ClinVar:

NM_001393504.1(MAST3):c.3228C>T (p.Ala1076=)

Gene: MAST3 (microtubule associated serine/threonine kinase 3; plus strand). Cytogenetic location: 19p13.11.
Variant type: single nucleotide variant.
Coding change: c.3228C>T on transcript NM_001393504.1 (MANE Select); coding-DNA position 3228, C replaced by T.
Protein change: p.Ala1076=; no amino-acid change (alanine 1076 retained).
Molecular consequence: synonymous variant.
Genome position (GRCh38, 1-based): chr19:18,146,946, C>T. VCF-style: chr19-18146946-C-T. GRCh37 (hg19) VCF-style: chr19-18257756-C-T.
Other names: c.3252C>T, p.Ala1084= (NM_001393501.1); c.3231C>T, p.Ala1077= (NM_001393502.1); c.3228C>T, p.Ala1076= (NM_001393503.1); c.3225C>T, p.Ala1075= (NM_001393505.1); c.3180C>T, p.Ala1060= (NM_001393506.1, NM_001393513.1); c.3207C>T, p.Ala1069= (NM_001393507.1); c.3162C>T, p.Ala1054= (NM_001393508.1, NM_001393516.1); c.3159C>T, p.Ala1053= (NM_001393509.1, NM_001393510.1, NM_001393512.1 and 2 more transcripts); and 4 more.
Identifiers: ClinVar variation 4533635 (VCV004533635.6).

ClinVar aggregate classification (germline): Likely benign (1 of 4 stars; one submission).

gnomAD v4.1: 56 of 1,559,942 alleles (0.0036%); highest among the groups gnomAD compares: Middle Eastern, 0.084%; no homozygotes.

Submission:

CeGaT Center for Human Genetics Tuebingen
Classification: Likely benign. Last evaluated: 2026-03-01. Review status: criteria provided, single submitter. Criteria: CeGaT Center For Human Genetics Tuebingen Variant Classification Criteria Version 2. Collection method: clinical testing. Allele origin: germline. Affected: yes. Observed: 2 variant alleles.
Comment: MAST3: BP4, BP7